The following is an entry in ClinVar:

ClinVar aggregate classification (germline): Uncertain significance. Review status: criteria provided, multiple submitters, no conflicts (2 of 4 stars). 2 submissions from 2 submitters: Uncertain significance (2). Last evaluated 2021-09-01.

Conditions:
Hypercholesterolemia, autosomal dominant, type B (FHCL2). Also called: Hyperlipoproteinemia Type IIb; Familial hypercholesterolemia 2; APOB-Related Familial Hypercholesterolemia, Autosomal Dominant; Familial Hypercholesterolemia Type B; APOLIPOPROTEIN B-100, FAMILIAL DEFECTIVE; APOLIPOPROTEIN B-100, FAMILIAL LIGAND-DEFECTIVE. Identifiers: MedGen C1704417, MONDO:0007751, OMIM 144010.
Familial hypobetalipoproteinemia 1. Also called: Hypobetalipoproteinemia, normotriglyceridemic; Acanthocytosis with hypobetalipoproteinemia; APOB-Related Familial Hypobetalipoproteinemia. Identifiers: MedGen C4551990, MONDO:0014252, OMIM 615558.

Allele frequency attached by ClinVar (database versions not stated): TOPMed 0.00001; ExAC 0.00002.
gnomAD v4.1: 20 of 1,613,948 alleles (0.0012%); highest among the groups gnomAD compares: Non-Finnish European, 0.0016%; no homozygotes.

Submissions (2):

Fulgent Genetics
Classification: Uncertain significance for Hypercholesterolemia, autosomal dominant, type B; Familial hypobetalipoproteinemia 1. Last evaluated: 2021-09-01. Review status: criteria provided, single submitter. Criteria: ACMG Guidelines, 2015. Collection method: clinical testing. Allele origin: unknown.

Labcorp Genetics (formerly Invitae), Labcorp
Classification: Uncertain significance for Familial hypobetalipoproteinemia 1; Hypercholesterolemia, autosomal dominant, type B. Last evaluated: 2021-08-24. Review status: criteria provided, single submitter. Criteria: Invitae Variant Classification Sherloc (09022015). Collection method: clinical testing. Allele origin: germline.
Comment: This sequence change replaces aspartic acid with valine at codon 2710 of the APOB protein (p.Asp2710Val). The aspartic acid residue is moderately conserved and there is a large physicochemical difference between aspartic acid and valine. This variant is present in population databases (rs771882254, ExAC 0.003%). This missense change has been observed in individual(s) with clinical features of familial hypercholesterolemia (Invitae). Algorithms developed to predict the effect of missense changes on protein structure and function are either unavailable or do not agree on the potential impact of this missense change (SIFT: "Deleterious"; PolyPhen-2: "Possibly Damaging"; Align-GVGD: "Class C0"). In summary, the available evidence is currently insufficient to determine the role of this variant in disease. Therefore, it has been classified as a Variant of Uncertain Significance.

NM_000384.3(APOB):c.8129A>T (p.Asp2710Val)

Gene: APOB (apolipoprotein B; minus strand). Cytogenetic location: 2p24.1.
Variant type: single nucleotide variant.
Coding change: c.8129A>T on transcript NM_000384.3 (MANE Select); coding-DNA position 8129, A replaced by T.
Protein change: p.Asp2710Val; replaces aspartic acid 2710 with valine.
Molecular consequence: missense variant.
Genome position (GRCh38, 1-based): chr2:21,008,739, T>A on the plus strand (A>T on the coding strand, the complement: APOB is on the minus strand). VCF-style: chr2-21008739-T-A. GRCh37 (hg19) VCF-style: chr2-21231611-T-A.
Other names: short protein forms D2710V.
Identifiers: ClinVar variation 843095 (VCV000843095.10), dbSNP rs771882254, ClinGen allele CA065182.